The following is an entry in ClinVar:

NM_007289.4(MME):c.1400del (p.Lys467fs)

Gene: MME (membrane metalloendopeptidase; plus strand). Cytogenetic location: 3q25.2.
Variant type: Deletion.
Coding change: c.1400del on transcript NM_007289.4 (MANE Select); coding-DNA position 1400, one base deleted (A; older notation c.1400delA).
Protein change: p.Lys467fs; shifts the reading frame from lysine 467.
Molecular consequence: frameshift variant.
Genome position (GRCh38, 1-based): chr3:155,144,441, A deleted; the last of 6 consecutive A bases (chr3:155,144,436-155,144,441); deleting any one gives the same sequence. VCF-style (leftmost placement, unchanged base first): chr3-155144435-CA-C. GRCh37 (hg19) VCF-style: chr3-154862224-CA-C.
Other names: c.1400del, p.Lys467fs (NM_000902.5, NM_001354642.2, NM_001354643.1 and 2 more transcripts); short protein forms K467fs.
Identifiers: ClinVar variation 2800958 (VCV002800958.3), dbSNP rs751149568, ClinGen allele CA917042308.
Genomic context (GRCh38, chr3:155,144,435, plus strand): 5'-CACAGATCCGAGAAGTTTTTATTCAGACTTTAGATGACCTCACTTGGATGGATGCCGAGA[CA>C]AAAAAGAGAGCTGAAGAAAAGGTAAAGAGCAGACAGCTAACTAGCAAAGAAAAATCTTTG-3'

ClinVar aggregate classification (germline): Pathogenic (1 of 4 stars; one submission).

Submission:

Labcorp Genetics (formerly Invitae), Labcorp
Classification: Pathogenic. Last evaluated: 2023-02-17. Review status: criteria provided, single submitter. Criteria: Invitae Variant Classification Sherloc (09022015). Collection method: clinical testing. Allele origin: germline.
Comment: This sequence change creates a premature translational stop signal (p.Lys467Argfs*8) in the MME gene. It is expected to result in an absent or disrupted protein product. Loss-of-function variants in MME are known to be pathogenic (PMID: 26991897). This variant is not present in population databases (gnomAD no frequency). This variant has not been reported in the literature in individuals affected with MME-related conditions. For these reasons, this variant has been classified as Pathogenic.

Literature cited by the submitters: PubMed 26991897.